The following is an entry in ClinVar:

ClinVar aggregate classification (germline): Benign. Review status: criteria provided, multiple submitters, no conflicts (2 of 4 stars). 4 submissions from 4 submitters: Benign (2). 2 of the submissions do not count toward it. Last evaluated 2019-12-31.

Conditions:
ZNF407-related disorder. Also called: ZNF407-related condition.

Allele frequency attached by ClinVar (database versions not stated): ESP Exome Variant Server 0.00081; gnomAD 0.00682 and 0.00720; ExAC 0.00977; TOPMed 0.01032; gnomAD exomes 0.01250; 1000 Genomes Project 0.01577; 1000 Genomes Project 30x 0.01593.
gnomAD v4.1: 5,978 of 1,614,054 alleles (0.37%); highest among the groups gnomAD compares: Admixed American, 6.3%; 172 homozygotes.

Submissions (4):

Labcorp Genetics (formerly Invitae), Labcorp
Classification: Benign. Last evaluated: 2019-12-31. Review status: criteria provided, single submitter. Criteria: Invitae Variant Classification Sherloc (09022015). Collection method: clinical testing. Allele origin: germline.

Breakthrough Genomics
Classification: Benign. Review status: criteria provided, single submitter. Criteria: ACMG Guidelines, 2015. Collection method: not provided. Allele origin: germline. Inheritance: Autosomal recessive inheritance. Affected: yes.

PreventionGenetics, part of Exact Sciences
Classification: Benign for ZNF407-related condition. Last evaluated: 2020-02-21. Review status: no assertion criteria provided. Collection method: clinical testing. Allele origin: germline. Not counted in ClinVar's aggregate classification.
Comment: This variant is classified as benign based on ACMG/AMP sequence variant interpretation guidelines (Richards et al. 2015 PMID: 25741868, with internal and published modifications).

Genetic Services Laboratory, University of Chicago
Classification: Likely benign for AllHighlyPenetrant. Review status: no assertion criteria provided. Collection method: clinical testing. Allele origin: germline. Inheritance: Autosomal dominant inheritance. Not counted in ClinVar's aggregate classification.
Comment: Likely benign based on allele frequency in 1000 Genomes Project or ESP global frequency and its presence in a patient with a rare or unrelated disease phenotype. NOT Sanger confirmed.

NM_017757.3(ZNF407):c.3075T>C (p.Ser1025=)

Genes: ZNF407 (zinc finger protein 407; plus strand), LOC126862798 (MED14-independent group 3 enhancer GRCh37_chr18:72345358-72346557; plus strand). Cytogenetic location: 18q22.3.
Variant type: single nucleotide variant.
Coding change: c.3075T>C on transcript NM_017757.3 (MANE Select); coding-DNA position 3075, T replaced by C.
Protein change: p.Ser1025=; no amino-acid change (serine 1025 retained).
Molecular consequence: synonymous variant.
Genome position (GRCh38, 1-based): chr18:74,634,094, T>C. VCF-style: chr18-74634094-T-C. GRCh37 (hg19) VCF-style: chr18-72346050-T-C.
Other names: c.3075T>C, p.Ser1025= (NM_001146189.1, NM_001146190.1, NM_001384475.1).
Identifiers: ClinVar variation 130820 (VCV000130820.13), dbSNP rs78076450, ClinGen allele CA156121.